The following is an entry in ClinVar:

ClinVar aggregate classification (germline): Uncertain significance (1 of 4 stars; one submission).

Allele frequency attached by ClinVar (database versions not stated): TOPMed 0.00003; gnomAD 0.00005 and 0.00006; ESP Exome Variant Server 0.00008.

Submission:

Labcorp Genetics (formerly Invitae), Labcorp
Classification: Uncertain significance. Last evaluated: 2022-08-22. Review status: criteria provided, single submitter. Criteria: Invitae Variant Classification Sherloc (09022015). Collection method: clinical testing. Allele origin: germline.
Comment: Algorithms developed to predict the effect of missense changes on protein structure and function (SIFT, PolyPhen-2, Align-GVGD) all suggest that this variant is likely to be disruptive. In summary, the available evidence is currently insufficient to determine the role of this variant in disease. Therefore, it has been classified as a Variant of Uncertain Significance. ClinVar contains an entry for this variant (Variation ID: 1353772). This variant has not been reported in the literature in individuals affected with COL13A1-related conditions. This variant is present in population databases (rs368485002, gnomAD 0.03%). This sequence change replaces glutamine, which is neutral and polar, with glutamic acid, which is acidic and polar, at codon 269 of the COL13A1 protein (p.Gln269Glu).

NM_001368882.1(COL13A1):c.775C>G (p.Gln259Glu)

Gene: COL13A1 (collagen type XIII alpha 1 chain; plus strand). Cytogenetic location: 10q22.1.
Variant type: single nucleotide variant.
Coding change: c.775C>G on transcript NM_001368882.1 (MANE Select); coding-DNA position 775, C replaced by G.
Protein change: p.Gln259Glu; replaces glutamine 259 with glutamic acid.
Molecular consequence: missense variant.
Genome position (GRCh38, 1-based): chr10:69,902,772, C>G. VCF-style: chr10-69902772-C-G. GRCh37 (hg19) VCF-style: chr10-71662528-C-G.
Other names: c.805C>G, p.Gln269Glu (NM_001130103.2); c.775C>G, p.Gln259Glu (NM_001320951.2, NM_001368884.1); c.739C>G, p.Gln247Glu (NM_001368883.1, NM_001368885.1, NM_080801.4 and 1 more transcripts); c.175C>G, p.Gln59Glu (NM_001368886.1); c.685C>G, p.Gln229Glu (NM_001368895.1); c.634C>G, p.Gln212Glu (NM_001368896.1, NM_001368898.1, NM_080798.4); c.661C>G, p.Gln221Glu (NM_001368897.1); c.748C>G, p.Gln250Glu (NM_080800.4); and 1 more; short protein forms Q218E, Q250E, Q59E, Q229E, Q247E, Q259E, Q269E, Q212E.
Identifiers: ClinVar variation 1353772 (VCV001353772.6), dbSNP rs368485002, ClinGen allele CA209305062.